The following is an entry in ClinVar:

ClinVar aggregate classification (germline): Conflicting classifications of pathogenicity. Review status: criteria provided, conflicting classifications (1 of 4 stars). 4 submissions from 4 submitters: Uncertain significance (3); Benign (1). Last evaluated 2025-03-31.

Conditions:
Bethlem myopathy 1A. Also called: Bethlem myopathy 1; MYOPATHY, BENIGN CONGENITAL, WITH CONTRACTURES; Bethlem Muscular Dystrophy. Identifiers: Orphanet 610, MedGen CN029274, MONDO:0024530, OMIM 158810.

Allele frequency attached by ClinVar (database versions not stated): gnomAD 0.00002 and 0.00005; TOPMed 0.00002; gnomAD exomes 0.00005 and 0.00008; ExAC 0.00006; 1000 Genomes Project 30x 0.00016; 1000 Genomes Project 0.00020.
gnomAD v4.1: 113 of 1,610,804 alleles (0.007%); highest among the groups gnomAD compares: South Asian, 0.035%; no homozygotes.

Submissions (4):

Labcorp Genetics (formerly Invitae), Labcorp
Classification: Benign for Bethlem myopathy 1A. Last evaluated: 2025-03-31. Review status: criteria provided, single submitter. Criteria: Invitae Variant Classification Sherloc (09022015). Collection method: clinical testing. Allele origin: germline.

GeneDx
Classification: Uncertain significance. Last evaluated: 2023-11-30. Review status: criteria provided, single submitter. Criteria: GeneDx Variant Classification Process June 2021. Collection method: clinical testing. Allele origin: germline. Affected: yes.
Comment: Identified in the heterozygous state a single patient from a cohort of individuals suspected to have limb girdle muscular dystrophy and reported as a variant of uncertain significance (PMID: 30564623); In silico analysis supports that this missense variant does not alter protein structure/function; This variant is associated with the following publications: (PMID: 30564623)

Revvity Omics, Revvity
Classification: Uncertain significance. Last evaluated: 2019-06-27. Review status: criteria provided, single submitter. Criteria: ACMG Guidelines, 2015. Collection method: clinical testing. Allele origin: germline.

Genetic Services Laboratory, University of Chicago
Classification: Uncertain significance. Last evaluated: 2015-09-19. Review status: criteria provided, single submitter. Criteria: ACMG Guidelines, 2015. Collection method: clinical testing. Allele origin: germline. Affected: no.

NM_001848.3(COL6A1):c.2569G>A (p.Glu857Lys)

Gene: COL6A1 (collagen type VI alpha 1 chain; plus strand). Cytogenetic location: 21q22.3.
Variant type: single nucleotide variant.
Coding change: c.2569G>A on transcript NM_001848.3 (MANE Select); coding-DNA position 2569, G replaced by A.
Protein change: p.Glu857Lys; replaces glutamic acid 857 with lysine.
Molecular consequence: missense variant.
Genome position (GRCh38, 1-based): chr21:46,003,495, G>A. VCF-style: chr21-46003495-G-A. GRCh37 (hg19) VCF-style: chr21-47423409-G-A.
Other names: short protein forms E857K.
Identifiers: ClinVar variation 434814 (VCV000434814.22), dbSNP rs570688674, ClinGen allele CA10070961.